The following is an entry in ClinVar:

NM_199355.4(ADAMTS18):c.235_237del (p.Asp79del)

Gene: ADAMTS18 (ADAM metallopeptidase with thrombospondin type 1 motif 18; minus strand). Cytogenetic location: 16q23.1.
Variant type: Deletion.
Coding change: c.235_237del on transcript NM_199355.4 (MANE Select); coding-DNA positions 235 to 237, 3 bases deleted (GAC; older notation c.235_237delGAC).
Protein change: p.Asp79del; deletes aspartic acid 79.
Molecular consequence: inframe deletion. On other transcripts: 5 prime UTR variant (1).
Genome position (GRCh38, 1-based): chr16:77,431,553-77,431,555, GTC deleted on the plus strand (GAC on the coding strand, the reverse complement: ADAMTS18 is on the minus strand); deleting any 3 consecutive bases within chr16:77,431,553-77,431,557 gives the same sequence; the c. name uses the placement nearest the transcript's 3' end. VCF-style (leftmost placement, unchanged base first): chr16-77431552-TGTC-T. GRCh37 (hg19) VCF-style: chr16-77465449-TGTC-T.
Other names: c.-286_-284del (NM_001326358.2); short protein forms D79del.
Identifiers: ClinVar variation 1043140 (VCV001043140.9), dbSNP rs772574788, ClinGen allele CA8181735.
Genomic context (GRCh38, chr16:77,431,552, plus strand): 5'-GGTAGTGCAGGGAGCTTCTGGCATTCTGCGCCGATCGCTTTTTCCTGCCGTTGTGCAAAA[TGTC>T]GTGTGAAATATATGACCCGGCTGAGTCTACTTCTACTGGCGTGACAAAGACGTAATCTGC-3'

ClinVar aggregate classification (germline): Uncertain significance. Review status: criteria provided, multiple submitters, no conflicts (2 of 4 stars). 2 submissions from 2 submitters: Uncertain significance (2). Last evaluated 2024-02-17.

Submissions (2):

Labcorp Genetics (formerly Invitae), Labcorp
Classification: Uncertain significance. Last evaluated: 2024-02-17. Review status: criteria provided, single submitter. Criteria: Invitae Variant Classification Sherloc (09022015). Collection method: clinical testing. Allele origin: germline.
Comment: This variant, c.235_237del, results in the deletion of 1 amino acid(s) of the ADAMTS18 protein (p.Asp79del), but otherwise preserves the integrity of the reading frame. This variant is present in population databases (rs772574788, gnomAD 0.007%). This variant has not been reported in the literature in individuals affected with ADAMTS18-related conditions. ClinVar contains an entry for this variant (Variation ID: 1043140). Experimental studies and prediction algorithms are not available or were not evaluated, and the functional significance of this variant is currently unknown. In summary, the available evidence is currently insufficient to determine the role of this variant in disease. Therefore, it has been classified as a Variant of Uncertain Significance.

Blueprint Genetics
Classification: Uncertain significance. Last evaluated: 2020-11-18. Review status: criteria provided, single submitter. Criteria: ACMG Guidelines, 2015. Collection method: clinical testing. Allele origin: germline.